The following is an entry in ClinVar:

ClinVar aggregate classification (germline): Uncertain significance (1 of 4 stars; one submission).

gnomAD v4.1: 25 of 1,501,780 alleles (0.0017%); highest among the groups gnomAD compares: Admixed American, 0.0086%; no homozygotes.

Submission:

Dasa
Classification: Uncertain significance. Last evaluated: 2026-01-06. Review status: criteria provided, single submitter. Criteria: DASA Assertion Criteria. Collection method: clinical testing. Allele origin: germline.
Comment: NM_006035.4(CDC42BPB):c.5059G>A (p.Gly1687Ser) is a missense variant that results in the substitution of glycine with serine. This variant is rare in population databases. Computational prediction algorithms are consistent with a benign effect. The currently available literature and clinical evidence are not sufficient to establish a definitive association between this variant and the reported condition. Therefore, this variant is classified as a variant of uncertain significance.

NM_006035.4(CDC42BPB):c.5059G>A (p.Gly1687Ser)

Gene: CDC42BPB (CDC42 binding protein kinase beta; minus strand). Cytogenetic location: 14q32.32.
Variant type: single nucleotide variant.
Coding change: c.5059G>A on transcript NM_006035.4 (MANE Select); coding-DNA position 5059, G replaced by A.
Protein change: p.Gly1687Ser; replaces glycine 1687 with serine.
Molecular consequence: missense variant.
Genome position (GRCh38, 1-based): chr14:102,933,789, C>T on the plus strand (G>A on the coding strand, the complement: CDC42BPB is on the minus strand). VCF-style: chr14-102933789-C-T. GRCh37 (hg19) VCF-style: chr14-103400126-C-T.
Other names: c.4981G>A, p.Gly1661Ser (NM_001411054.1); short protein forms G1661S, G1687S.
Identifiers: ClinVar variation 4882967 (VCV004882967.2).